The following is an entry in ClinVar:

NM_003890.3(FCGBP):c.13977G>A (p.Gln4659=)

Gene: FCGBP (Fc gamma binding protein; minus strand). Cytogenetic location: 19q13.2.
Variant type: single nucleotide variant.
Coding change: c.13977G>A on transcript NM_003890.3 (MANE Select); coding-DNA position 13977, G replaced by A.
Protein change: p.Gln4659=; no amino-acid change (glutamine 4659 retained).
Molecular consequence: synonymous variant.
Genome position (GRCh38, 1-based): chr19:39,875,617, C>T on the plus strand (G>A on the coding strand, the complement: FCGBP is on the minus strand). VCF-style: chr19-39875617-C-T. GRCh37 (hg19) VCF-style: chr19-40366257-C-T.
Identifiers: ClinVar variation 2649842 (VCV002649842.24), dbSNP rs4029191, ClinGen allele CA9435523.

ClinVar aggregate classification (germline): Likely benign (1 of 4 stars; one submission).

Allele frequency attached by ClinVar (database versions not stated): 1000 Genomes Project 0.00200; 1000 Genomes Project 30x 0.00234; TOPMed 0.00529; ExAC 0.00633; gnomAD 0.00659; gnomAD exomes 0.00939.

Submission:

CeGaT Center for Human Genetics Tuebingen
Classification: Likely benign. Last evaluated: 2023-01-01. Review status: criteria provided, single submitter. Criteria: CeGaT Center For Human Genetics Tuebingen Variant Classification Criteria Version 2. Collection method: clinical testing. Allele origin: germline. Affected: yes. Observed: 1 variant allele.
Comment: FCGBP: BP4, BS2